The following is an entry in ClinVar:

NM_001378454.1(ALMS1):c.8630_8633del (p.Pro2877fs)

Gene: ALMS1 (ALMS1 centrosome and basal body associated protein; plus strand). Cytogenetic location: 2p13.1.
Variant type: Microsatellite.
Coding change: c.8630_8633del on transcript NM_001378454.1 (MANE Select); coding-DNA positions 8630 to 8633, 4 bases deleted (CTTC; older notation c.8630_8633delCTTC).
Protein change: p.Pro2877fs; shifts the reading frame from proline 2877.
Molecular consequence: frameshift variant.
Genome position (GRCh38, 1-based): chr2:73,490,589-73,490,592, CTTC deleted; deleting any 4 consecutive bases within chr2:73,490,585-73,490,592 gives the same sequence; the c. name uses the placement nearest the transcript's 3' end. VCF-style (leftmost placement, unchanged base first): chr2-73490584-TCTTC-T. GRCh37 (hg19) VCF-style: chr2-73717711-TCTTC-T.
Other names: c.8633_8636del, p.Pro2878fs (NM_015120.4); short protein forms P2878fs, P2877fs.
Identifiers: ClinVar variation 3658778 (VCV003658778.2).

ClinVar aggregate classification (germline): Pathogenic (1 of 4 stars; one submission).

Conditions:
Alstrom syndrome (ALMS). Identifiers: Orphanet 64, MedGen C0268425, MONDO:0008763, OMIM 203800.

Submission:

Labcorp Genetics (formerly Invitae), Labcorp
Classification: Pathogenic for Alstrom syndrome. Last evaluated: 2025-01-23. Review status: criteria provided, single submitter. Criteria: Invitae Variant Classification Sherloc (09022015). Collection method: clinical testing. Allele origin: germline.
Comment: This sequence change creates a premature translational stop signal (p.Pro2878Leufs*23) in the ALMS1 gene. It is expected to result in an absent or disrupted protein product. Loss-of-function variants in ALMS1 are known to be pathogenic (PMID: 17594715). This variant is not present in population databases (gnomAD no frequency). This variant has not been reported in the literature in individuals affected with ALMS1-related conditions. For these reasons, this variant has been classified as Pathogenic.

Literature cited by the submitters: PubMed 17594715.